The following is an entry in ClinVar:

ClinVar aggregate classification (germline): Pathogenic/Likely pathogenic. Review status: criteria provided, multiple submitters, no conflicts (2 of 4 stars). 2 submissions from 2 submitters: Pathogenic (1); Likely pathogenic (1). Last evaluated 2022-07-12.

Conditions:
Severe myoclonic epilepsy in infancy (DRVT). Also called: DEVELOPMENTAL AND EPILEPTIC ENCEPHALOPATHY 6A; Severe Myoclonic Epilepsy in Infancy (SMEI); Dravet syndrome; Epileptic encephalopathy, early infantile, 6 (Dravet syndrome); SEVERE MYOCLONIC EPILEPSY OF INFANCY. Identifiers: Orphanet 33069, MedGen C0751122, MONDO:0100135, OMIM 607208.
Early-infantile DEE. Also called: Early infantile epileptic encephalopathy; Ohtahara syndrome; Early infantile epileptic encephalopathy with suppression bursts. Identifiers: Orphanet 1934, MedGen C0393706, MONDO:0800491.

Submissions (2):

Labcorp Genetics (formerly Invitae), Labcorp
Classification: Likely pathogenic for Early-infantile DEE. Last evaluated: 2022-07-12. Review status: criteria provided, single submitter. Criteria: Invitae Variant Classification Sherloc (09022015). Collection method: clinical testing. Allele origin: germline.
Comment: This sequence change affects an acceptor splice site in intron 20 of the SCN1A gene. It is expected to disrupt RNA splicing. Variants that disrupt the donor or acceptor splice site typically lead to a loss of protein function (PMID: 16199547), and loss-of-function variants in SCN1A are known to be pathogenic (PMID: 17347258, 18930999). This variant is not present in population databases (gnomAD no frequency). Disruption of this splice site has been observed in individual(s) with epilepsy and/or neurodevelopmental disorders (PMID: 29655203). Algorithms developed to predict the effect of sequence changes on RNA splicing suggest that this variant may disrupt the consensus splice site. In summary, the currently available evidence indicates that the variant is pathogenic, but additional data are needed to prove that conclusively. Therefore, this variant has been classified as Likely Pathogenic.

Mendelics
Classification: Pathogenic for Severe myoclonic epilepsy in infancy. Last evaluated: 2019-05-28. Review status: criteria provided, single submitter. Criteria: Mendelics Assertion Criteria 2017. Collection method: clinical testing. Allele origin: unknown.

Literature cited by the submitters: PubMed 16199547 (cited by Labcorp Genetics (formerly Invitae), Labcorp); PubMed 17347258 (cited by Labcorp Genetics (formerly Invitae), Labcorp); PubMed 18930999 (cited by Labcorp Genetics (formerly Invitae), Labcorp); PubMed 29655203 (cited by Labcorp Genetics (formerly Invitae), Labcorp).

NM_001165963.4(SCN1A):c.4003-1G>A

Genes: SCN1A (sodium voltage-gated channel alpha subunit 1; minus strand), LOC102724058 (uncharacterized LOC102724058; plus strand). Cytogenetic location: 2q24.3.
Variant type: single nucleotide variant.
Coding change: c.4003-1G>A on transcript NM_001165963.4 (MANE Select); the canonical splice acceptor site of the intron before coding-DNA position 4003, G replaced by A.
Molecular consequence: splice acceptor variant.
Genome position (GRCh38, 1-based): chr2:166,002,754, C>T on the plus strand (G>A on the coding strand, the complement: SCN1A is on the minus strand). VCF-style: chr2-166002754-C-T. GRCh37 (hg19) VCF-style: chr2-166859264-C-T.
Other names: c.3970-1G>A (NM_001353949.2, NM_001353950.2, NM_001353951.2 and 2 more transcripts); c.3919-1G>A (NM_001353958.2, NM_001353957.2, NM_001165964.3); c.4003-1G>A (NM_001202435.3, NM_001353948.2); c.3967-1G>A (NM_001353955.2, NM_001353954.2); c.3916-1G>A (NM_001353960.2); c.1561-1G>A (NM_001353961.2).
Identifiers: ClinVar variation 801797 (VCV000801797.10), dbSNP rs1574007140, ClinGen allele CA349050905.
Genomic context (GRCh38, chr2:166,002,754, plus strand): 5'-ACAAACCAGAAGCACATTCATGATGGATGGAATTGCTCCTAAAAGGGCATTCACAACCAC[C>T]TAATACACAAATGGAAAAAAAGAAAAGTCAGAATTCTTATCTGTTAATAAAGAAAAAAAA-3'